The following is an entry in ClinVar:

ClinVar aggregate classification (germline): Likely pathogenic (1 of 4 stars; one submission).

Conditions:
Severe X-linked myotubular myopathy (CNMX). Also called: MYOTUBULAR MYOPATHY 1; Myotubular myopathy, X-linked; X-linked centronuclear myopathy. Identifiers: Orphanet 596, MedGen C0410203, MONDO:0010683, OMIM 310400.

Submission:

Myriad Genetics, Inc.
Classification: Likely pathogenic for Severe X-linked myotubular myopathy. Last evaluated: 2022-01-02. Review status: criteria provided, single submitter. Criteria: Myriad Women's Health Autosomal Recessive and X-Linked Classification Criteria (2021). Collection method: clinical testing. Allele origin: unknown.
Comment: NM_000252.2(MTM1):c.1057_1058insACGA(V353Dfs*26) is expected to be pathogenic in the context of X-linked myotubular myopathy. This variant is predicted to lead to an abnormal or absent protein product due to the creation of a premature termination codon in MTM1, a gene where loss-of-function variants are known to be pathogenic. Please note: this variant was assessed in the context of healthy population screening.

NM_000252.3(MTM1):c.1057_1058insACGA (p.Val353fs)

Gene: MTM1 (myotubularin 1; plus strand). Cytogenetic location: Xq28.
Variant type: Insertion.
Coding change: c.1057_1058insACGA on transcript NM_000252.3 (MANE Select); coding-DNA positions 1057 to 1058, ACGA inserted.
Protein change: p.Val353fs; shifts the reading frame from valine 353.
Molecular consequence: frameshift variant.
Genome position: GRCh38 VCF-style: chrX-150657824-G-GACGA. GRCh37 (hg19) VCF-style: chrX-149826297-G-GACGA.
Other names: c.1057_1058insACGA, p.Val353fs (NM_001376906.1, NM_001376908.1); c.946_947insACGA, p.Val316fs (NM_001376907.1); short protein forms V316fs, V353fs.
Identifiers: ClinVar variation 1726759 (VCV001726759.2), dbSNP rs2522434481, ClinGen allele CA2580101638.
Genomic context (GRCh38, chrX:150,657,824, plus strand): 5'-TCAAATGTAAGCAGTATCTTATAACTCCCTACTGACTCACGTATTTTTCTTTGTCAGCTC[G>GACGA]TTTTGACAGGAGCCATTCAAGTAGCAGACAAAGTTTCTTCAGGGAAGAGTTCAGTGCTTG-3'